The following is an entry in ClinVar:

NM_004629.2(FANCG):c.1642C>T (p.Arg548Ter)

Gene: FANCG (FA complementation group G; minus strand). Cytogenetic location: 9p13.3.
Variant type: single nucleotide variant.
Coding change: c.1642C>T on transcript NM_004629.2 (MANE Select); coding-DNA position 1642, C replaced by T.
Protein change: p.Arg548Ter; replaces arginine 548 with a stop codon.
Molecular consequence: nonsense.
Genome position (GRCh38, 1-based): chr9:35,074,489, G>A on the plus strand (C>T on the coding strand, the complement: FANCG is on the minus strand). VCF-style: chr9-35074489-G-A. GRCh37 (hg19) VCF-style: chr9-35074486-G-A.
Other names: short protein forms R548*.
Identifiers: ClinVar variation 574728 (VCV000574728.21), dbSNP rs779834525, ClinGen allele CA5039658.

ClinVar aggregate classification (germline): Pathogenic. Review status: criteria provided, multiple submitters, no conflicts (2 of 4 stars). 9 submissions from 9 submitters: Pathogenic (8). 1 of the submissions does not count toward it. Last evaluated 2026-04-10.

Conditions:
Fanconi anemia (FA). Also called: Fanconi's anemia. Identifiers: Orphanet 84, MedGen C0015625, MeSH D005199, MONDO:0019391.
Fanconi anemia complementation group G. Also called: Fanconi anemia group G; FANCG-Related Fanconi Anemia. Identifiers: Orphanet 84, MedGen C3469527, MONDO:0013565, OMIM 614082.

Allele frequency attached by ClinVar (database versions not stated): gnomAD exomes 0.00002; TOPMed 0.00002; ExAC 0.00004.

Submissions (9):

Women's Health and Genetics/Laboratory Corporation of America, LabCorp
Classification: Pathogenic for Fanconi anemia. Last evaluated: 2026-04-10. Review status: criteria provided, single submitter. Criteria: LabCorp Variant Classification Summary - May 2015. Collection method: clinical testing. Allele origin: germline.
Comment: Variant summary: FANCG c.1642C>T (p.Arg548X) results in a premature termination codon, predicted to cause absence of the protein due to nonsense mediated decay, which are commonly known mechanisms for disease. Loss-of-function variants in this gene are known to be pathogenic. The variant allele was found at a frequency of 2e-05 in 249540 control chromosomes. c.1642C>T has been observed in at least one individual affected with Fanconi Anemia (). These data indicate that the variant is likely to be associated with disease. To our knowledge, no experimental evidence demonstrating an impact on protein function has been reported. The following publication have been ascertained in the context of this evaluation (PMID: 11093276). ClinVar contains an entry for this variant (Variation ID: 574728). Based on the evidence outlined above, the variant was classified as pathogenic.

Labcorp Genetics (formerly Invitae), Labcorp
Classification: Pathogenic for Fanconi anemia. Last evaluated: 2026-01-03. Review status: criteria provided, single submitter. Criteria: Invitae Variant Classification Sherloc (09022015). Collection method: clinical testing. Allele origin: germline.
Comment: This sequence change creates a premature translational stop signal (p.Arg548*) in the FANCG gene. It is expected to result in an absent or disrupted protein product. Loss-of-function variants in FANCG are known to be pathogenic (PMID: 12552564). This variant is present in population databases (rs779834525, gnomAD 0.006%). This premature translational stop signal has been observed in individuals with Fanconi anemia (PMID: 11093276, 11438206). ClinVar contains an entry for this variant (Variation ID: 574728). Algorithms developed to predict the effect of sequence changes on RNA splicing suggest that this variant may disrupt the consensus splice site. For these reasons, this variant has been classified as Pathogenic.

Natera, Inc.
Classification: Pathogenic for Fanconi anemia group G. Last evaluated: 2025-07-25. Review status: criteria provided, single submitter. Criteria: Natera Variant Classification Schema (03/2026). Collection method: clinical testing. Allele origin: germline.
Comment: The c.1642C>T variant in FANCG is a nonsense variant predicted to introduce a stop codon at amino acid 548. This variant is expected to result in nonsense mediated decay, truncation, or a dysfunctional protein product. This variant is rare in the general population with a frequency below the threshold expected for the associated phenotype(s). This variant has been observed in one or more individuals affected with the associated recessive disease, as either homozygous or compound heterozygous with a second variant (PMID: 12552564, 11093276). Additionally, this variant has been observed to segregate in affected family members (PMID: 12552564). Given the available evidence, this variant is classified as Pathogenic.

Revvity Omics, Revvity
Classification: Pathogenic for Fanconi anemia complementation group G. Last evaluated: 2025-03-27. Review status: criteria provided, single submitter. Criteria: ACMG Guidelines, 2015. Collection method: clinical testing. Allele origin: germline.

GeneDx
Classification: Pathogenic. Last evaluated: 2024-06-17. Review status: criteria provided, single submitter. Criteria: GeneDx Variant Classification Process June 2021. Collection method: clinical testing. Allele origin: germline. Affected: yes.
Comment: Also reported in a patient with Fanconi anemia who also harbored a second missense variant (PMID: 11438206); Nonsense variant predicted to result in protein truncation or nonsense mediated decay in a gene for which loss of function is a known mechanism of disease; This variant is associated with the following publications: (PMID: 34598035, 25525159, 31589614, 29625052, 34422195, 33718801, 26689913, 35417938, 36451132, 11438206, 11093276)

Fulgent Genetics
Classification: Pathogenic for Fanconi anemia complementation group G. Last evaluated: 2024-06-12. Review status: criteria provided, single submitter. Criteria: ACMG Guidelines, 2015. Collection method: clinical testing. Allele origin: germline.

Baylor Genetics
Classification: Pathogenic for Fanconi anemia complementation group G. Last evaluated: 2020-06-03. Review status: criteria provided, single submitter. Criteria: ACMG Guidelines, 2015. Collection method: clinical testing. Allele origin: unknown. Affected: yes.
Comment: This variant was determined to be pathogenic according to ACMG Guidelines, 2015 [PMID:25741868].

Juno Genomics, Hangzhou Juno Genomics, Inc
Classification: Pathogenic for Fanconi anemia complementation group G. Review status: criteria provided, single submitter. Criteria: ACMG Guidelines, 2015. Collection method: clinical testing. Allele origin: germline. Affected: yes.
Comment: Absent from controls (or at extremely low frequency if recessive) in Genome Aggregation Database, Exome Sequencing Project, 1000 Genomes Project, or Exome Aggregation Consortium.;Null variant in a gene where loss of function (LOF) is a known mechanism of disease.;For recessive disorders, detected in trans with a pathogenic variant.

Leiden Open Variation Database
Classification: Pathogenic for Fanconi anemia complementation group G. Last evaluated: 2011-02-07. Review status: no assertion criteria provided. Collection method: curation. Allele origin: germline. Affected: yes. Not counted in ClinVar's aggregate classification.
Comment: Curator: Arleen D. Auerbach. Submitter to LOVD: Arleen D. Auerbach.

Literature cited by the submitters: PubMed 11093276 (cited by 4 submitters); PubMed 12552564 (cited by 3 submitters); PubMed 11438206 (cited by Labcorp Genetics (formerly Invitae), Labcorp and Leiden Open Variation Database).